The following is an entry in ClinVar:

NM_004465.2(FGF10):c.581G>A (p.Arg194Lys)

Gene: FGF10 (fibroblast growth factor 10; minus strand). Cytogenetic location: 5p12.
Variant type: single nucleotide variant.
Coding change: c.581G>A on transcript NM_004465.2 (MANE Select); coding-DNA position 581, G replaced by A.
Protein change: p.Arg194Lys; replaces arginine 194 with lysine.
Molecular consequence: missense variant.
Genome position (GRCh38, 1-based): chr5:44,305,041, C>T on the plus strand (G>A on the coding strand, the complement: FGF10 is on the minus strand). VCF-style: chr5-44305041-C-T. GRCh37 (hg19) VCF-style: chr5-44305143-C-T.
Other names: short protein forms R194K.
Identifiers: ClinVar variation 2828502 (VCV002828502.3), dbSNP rs1418284908, ClinGen allele CA359697572.

ClinVar aggregate classification (germline): Uncertain significance (1 of 4 stars; one submission).

Allele frequency attached by ClinVar (database versions not stated): gnomAD exomes below 0.00001.
gnomAD v4.1: 1 of 1,613,920 alleles (0.000062%); highest among the groups gnomAD compares: East Asian, 0.0022%; no homozygotes.

Submission:

Labcorp Genetics (formerly Invitae), Labcorp
Classification: Uncertain significance. Last evaluated: 2023-01-14. Review status: criteria provided, single submitter. Criteria: Invitae Variant Classification Sherloc (09022015). Collection method: clinical testing. Allele origin: germline.
Comment: Algorithms developed to predict the effect of missense changes on protein structure and function are either unavailable or do not agree on the potential impact of this missense change (SIFT: "Tolerated"; PolyPhen-2: "Possibly Damaging"; Align-GVGD: "Class C0"). In summary, the available evidence is currently insufficient to determine the role of this variant in disease. Therefore, it has been classified as a Variant of Uncertain Significance. This variant has not been reported in the literature in individuals affected with FGF10-related conditions. This variant is present in population databases (no rsID available, gnomAD 0.006%). This sequence change replaces arginine, which is basic and polar, with lysine, which is basic and polar, at codon 194 of the FGF10 protein (p.Arg194Lys).